The following is an entry in ClinVar:

NM_003238.6(TGFB2):c.1126G>A (p.Ala376Thr)

Gene: TGFB2 (transforming growth factor beta 2; plus strand). Cytogenetic location: 1q41.
Variant type: single nucleotide variant.
Coding change: c.1126G>A on transcript NM_003238.6 (MANE Select); coding-DNA position 1126, G replaced by A.
Protein change: p.Ala376Thr; replaces alanine 376 with threonine.
Molecular consequence: missense variant. On other transcripts: non-coding transcript variant (2).
Genome position (GRCh38, 1-based): chr1:218,441,243, G>A. VCF-style: chr1-218441243-G-A. GRCh37 (hg19) VCF-style: chr1-218614585-G-A.
Other names: c.1210G>A, p.Ala404Thr (NM_001135599.4); short protein forms A376T, A404T.
Identifiers: ClinVar variation 1799190 (VCV001799190.4), dbSNP rs201788738, ClinGen allele CA37625557.

ClinVar aggregate classification (germline): Uncertain significance. Review status: criteria provided, multiple submitters, no conflicts (2 of 4 stars). 2 submissions from 2 submitters: Uncertain significance (2). Last evaluated 2024-02-01.

Conditions:
Familial thoracic aortic aneurysm and aortic dissection (TAAD). Also called: Thoracic aortic aneurysms and dissections. Identifiers: Orphanet 91387, MedGen C4707243, MONDO:0019625.
Loeys-Dietz syndrome 4 (LDS4). Also called: ANEURYSM, AORTIC AND CEREBRAL, WITH ARTERIAL TORTUOSITY AND SKELETAL MANIFESTATIONS; TGFB2-Related Loeys-Dietz Syndrome. Identifiers: MedGen C3553762, MONDO:0013897, OMIM 614816.

Allele frequency attached by ClinVar (database versions not stated): TOPMed below 0.00001.
gnomAD v4.1: 28 of 1,613,592 alleles (0.0017%); highest among the groups gnomAD compares: Non-Finnish European, 0.0024%; no homozygotes.

Submissions (2):

Labcorp Genetics (formerly Invitae), Labcorp
Classification: Uncertain significance for Loeys-Dietz syndrome 4. Last evaluated: 2024-02-01. Review status: criteria provided, single submitter. Criteria: Invitae Variant Classification Sherloc (09022015). Collection method: clinical testing. Allele origin: germline.
Comment: This sequence change replaces alanine, which is neutral and non-polar, with threonine, which is neutral and polar, at codon 376 of the TGFB2 protein (p.Ala376Thr). This variant is present in population databases (rs201788738, gnomAD 0.002%). This variant has not been reported in the literature in individuals affected with TGFB2-related conditions. ClinVar contains an entry for this variant (Variation ID: 1799190). Advanced modeling of protein sequence and biophysical properties (such as structural, functional, and spatial information, amino acid conservation, physicochemical variation, residue mobility, and thermodynamic stability) performed at Invitae indicates that this missense variant is not expected to disrupt TGFB2 protein function with a negative predictive value of 80%. In summary, the available evidence is currently insufficient to determine the role of this variant in disease. Therefore, it has been classified as a Variant of Uncertain Significance.

Ambry Genetics
Classification: Uncertain significance for Familial thoracic aortic aneurysm and aortic dissection. Last evaluated: 2021-01-26. Review status: criteria provided, single submitter. Criteria: Ambry Variant Classification Scheme 2023. Collection method: clinical testing. Allele origin: germline.
Comment: The p.A376T variant (also known as c.1126G>A), located in coding exon 7 of the TGFB2 gene, results from a G to A substitution at nucleotide position 1126. The alanine at codon 376 is replaced by threonine, an amino acid with similar properties. This alteration was reported in a psychiatric disorders cohort (Need AC et al. Am J Hum Genet, 2012 Aug;91:303-12). This amino acid position is highly conserved in available vertebrate species. In addition, the in silico prediction for this alteration is inconclusive. Since supporting evidence is limited at this time, the clinical significance of this alteration remains unclear.

Literature cited by the submitters: PubMed 22863191 (cited by Ambry Genetics).